The following is an entry in ClinVar:

NM_001849.4(COL6A2):c.3003C>A (p.Asp1001Glu)

Gene: COL6A2 (collagen type VI alpha 2 chain; plus strand). Cytogenetic location: 21q22.3.
Variant type: single nucleotide variant.
Coding change: c.3003C>A on transcript NM_001849.4 (MANE Select); coding-DNA position 3003, C replaced by A.
Protein change: p.Asp1001Glu; replaces aspartic acid 1001 with glutamic acid.
Molecular consequence: missense variant.
Genome position (GRCh38, 1-based): chr21:46,132,495, C>A. VCF-style: chr21-46132495-C-A. GRCh37 (hg19) VCF-style: chr21-47552409-C-A.
Other names: short protein forms D1001E.
Identifiers: ClinVar variation 340388 (VCV000340388.14), dbSNP rs756253502, ClinGen allele CA10073136.

ClinVar aggregate classification (germline): Benign/Likely benign. Review status: criteria provided, multiple submitters, no conflicts (2 of 4 stars). 2 submissions from 2 submitters: Benign (1); Likely benign (1). Last evaluated 2025-11-03.

Conditions:
Collagen 6-related myopathy. Identifiers: MedGen CN117976, MONDO:0100225.
Bethlem myopathy 1A. Also called: MYOPATHY, BENIGN CONGENITAL, WITH CONTRACTURES; Bethlem myopathy 1; Bethlem Muscular Dystrophy. Identifiers: Orphanet 610, MedGen CN029274, MONDO:0024530, OMIM 158810.

Allele frequency attached by ClinVar (database versions not stated): TOPMed 0.00006; gnomAD exomes 0.00010; ExAC 0.00012.
gnomAD v4.1: 36 of 1,607,984 alleles (0.0022%); highest among the groups gnomAD compares: East Asian, 0.076%; no homozygotes.

Submissions (2):

Labcorp Genetics (formerly Invitae), Labcorp
Classification: Likely benign for Bethlem myopathy 1A. Last evaluated: 2025-11-03. Review status: criteria provided, single submitter. Criteria: Invitae Variant Classification Sherloc (09022015). Collection method: clinical testing. Allele origin: germline.

Illumina Laboratory Services, Illumina
Classification: Benign for Collagen VI-related myopathy. Last evaluated: 2018-01-13. Review status: criteria provided, single submitter. Criteria: ICSL Variant Classification Criteria 13 December 2019. Collection method: clinical testing. Allele origin: germline.
Comment: This variant was observed in the ICSL laboratory as part of a predisposition screen in an ostensibly healthy population. It had not been previously curated by ICSL or reported in the Human Gene Mutation Database (HGMD: prior to June 1st, 2018), and was therefore a candidate for classification through an automated scoring system. Utilizing variant allele frequency, disease prevalence and penetrance estimates, and inheritance mode, an automated score was calculated to assess if this variant is too frequent to cause the disease. Based on the score and internal cut-off values, a variant classified as benign is not then subjected to further curation. The score for this variant resulted in a classification of benign for this disease.